The following is an entry in ClinVar:

NM_012401.4(PLXNB2):c.2875A>G (p.Met959Val)

Genes: PLXNB2 (plexin B2; minus strand), LOC126863184 (MED14-independent group 3 enhancer GRCh37_chr22:50720546-50721745; plus strand). Cytogenetic location: 22q13.33.
Variant type: single nucleotide variant.
Coding change: c.2875A>G on transcript NM_012401.4 (MANE Select); coding-DNA position 2875, A replaced by G.
Protein change: p.Met959Val; replaces methionine 959 with valine.
Molecular consequence: missense variant.
Genome position (GRCh38, 1-based): chr22:50,282,823, T>C on the plus strand (A>G on the coding strand, the complement: PLXNB2 is on the minus strand). VCF-style: chr22-50282823-T-C. GRCh37 (hg19) VCF-style: chr22-50721252-T-C.
Other names: NC_000022.10:g.50721252T>C; c.2875A>G, p.Met959Val (NM_001376864.1, NM_001376866.1, NM_001376867.1 and 18 more transcripts); c.2944A>G, p.Met982Val (NM_001376865.1); c.2782A>G, p.Met928Val (NM_001376886.1); short protein forms M928V, M959V, M982V.
Identifiers: ClinVar variation 4083549 (VCV004083549.9).

ClinVar aggregate classification (germline): Likely benign (1 of 4 stars; one submission).

gnomAD v4.1: 8,387 of 1,612,878 alleles (0.52%); highest among the groups gnomAD compares: Non-Finnish European, 0.64%; 40 homozygotes.

Submissions (7):

CeGaT Center for Human Genetics Tuebingen
Classification: Likely benign. Last evaluated: 2026-08-01. Review status: criteria provided, single submitter. Criteria: CeGaT Center For Human Genetics Tuebingen Variant Classification Criteria Version 2. Collection method: clinical testing. Allele origin: germline. Affected: yes. Observed: 7 variant alleles.
Comment: PLXNB2: BP4, BS2

Dr. Peter K. Rogan Lab, Western University
No classification provided (evidence only). Condition: Clear cell carcinoma of kidney. Review status: no classification provided. Collection method: in vitro. Allele origin: not applicable. Functional consequence: retained intron. Not counted in ClinVar's aggregate classification.

Dr. Peter K. Rogan Lab, Western University
No classification provided (evidence only). Condition: Clear cell carcinoma of kidney. Review status: no classification provided. Collection method: in vitro. Allele origin: not applicable. Functional consequence: retained intron. Not counted in ClinVar's aggregate classification.

Dr. Peter K. Rogan Lab, Western University
No classification provided (evidence only). Condition: Cervical cancer. Review status: no classification provided. Collection method: in vitro. Allele origin: not applicable. Functional consequence: retained intron. Not counted in ClinVar's aggregate classification.

Dr. Peter K. Rogan Lab, Western University
No classification provided (evidence only). Condition: Cervical cancer. Review status: no classification provided. Collection method: in vitro. Allele origin: not applicable. Functional consequence: retained intron. Not counted in ClinVar's aggregate classification.

Dr. Peter K. Rogan Lab, Western University
No classification provided (evidence only). Condition: Sarcoma. Review status: no classification provided. Collection method: in vitro. Allele origin: not applicable. Functional consequence: skipped exon. Not counted in ClinVar's aggregate classification.

Dr. Peter K. Rogan Lab, Western University
No classification provided (evidence only). Condition: Uterine carcinosarcoma. Review status: no classification provided. Collection method: in vitro. Allele origin: not applicable. Functional consequence: retained intron. Not counted in ClinVar's aggregate classification.